The following is an entry in ClinVar:

NM_000548.5(TSC2):c.5378G>A (p.Arg1793Gln)

Gene: TSC2 (TSC complex subunit 2; plus strand). Cytogenetic location: 16p13.3.
Variant type: single nucleotide variant.
Coding change: c.5378G>A on transcript NM_000548.5 (MANE Select); coding-DNA position 5378, G replaced by A.
Protein change: p.Arg1793Gln; replaces arginine 1793 with glutamine.
Molecular consequence: missense variant.
Genome position (GRCh38, 1-based): chr16:2,088,564, G>A. VCF-style: chr16-2088564-G-A. GRCh37 (hg19) VCF-style: chr16-2138565-G-A.
Other names: p.R1793Q:CGG>CAG; c.5177G>A, p.Arg1726Gln (NM_001077183.3); c.5309G>A, p.Arg1770Gln (NM_001114382.3); c.5069G>A, p.Arg1690Gln (NM_001318827.2); c.5033G>A, p.Arg1678Gln (NM_001318829.2); c.4646G>A, p.Arg1549Gln (NM_001318831.2); c.5210G>A, p.Arg1737Gln (NM_001318832.2); c.5180G>A, p.Arg1727Gln (NM_001363528.2); and 4 more; short protein forms R1793Q, R1690Q, R1750Q, R1770Q, R1549Q, R1727Q, R1746Q, R1678Q.
Identifiers: ClinVar variation 49941 (VCV000049941.24), dbSNP rs45506695, ClinGen allele CA022436.

ClinVar aggregate classification (germline): Benign/Likely benign. Review status: criteria provided, multiple submitters, no conflicts (2 of 4 stars). 12 submissions from 12 submitters: Benign (4); Likely benign (6). 2 of the submissions do not count toward it. Last evaluated 2026-02-01.

Conditions:
TSC2-related disorder. Also called: TSC2-related condition; TSC2-Related Disorders.
Hereditary cancer-predisposing syndrome. Also called: Hereditary Cancer Syndrome; Tumor predisposition; Neoplastic Syndromes, Hereditary; Hereditary neoplastic syndrome. Identifiers: Orphanet 140162, MedGen C0027672, MeSH D009386, MONDO:0015356.
Tuberous sclerosis syndrome (TSC). Also called: Tuberous Sclerosis Complex; Tuberous sclerosis. Identifiers: Orphanet 805, MedGen C0041341, MONDO:0001734.
Tuberous sclerosis 2 (TSC2). Identifiers: Orphanet 805, MedGen C1860707, MONDO:0013199, OMIM 613254.

Allele frequency attached by ClinVar (database versions not stated): gnomAD exomes 0.00005 and 0.00015; gnomAD 0.00019; TOPMed 0.00021; ESP Exome Variant Server 0.00008; ExAC 0.00009.
gnomAD v4.1: 106 of 1,610,402 alleles (0.0066%); highest among the groups gnomAD compares: Admixed American, 0.08%; no homozygotes.

Submissions (12):

CeGaT Center for Human Genetics Tuebingen
Classification: Likely benign. Last evaluated: 2026-02-01. Review status: criteria provided, single submitter. Criteria: CeGaT Center For Human Genetics Tuebingen Variant Classification Criteria Version 2. Collection method: clinical testing. Allele origin: germline. Affected: yes. Observed: 1 variant allele.
Comment: TSC2: BS2

Labcorp Genetics (formerly Invitae), Labcorp
Classification: Benign for Tuberous sclerosis 2. Last evaluated: 2026-01-15. Review status: criteria provided, single submitter. Criteria: Invitae Variant Classification Sherloc (09022015). Collection method: clinical testing. Allele origin: germline.

PreventionGenetics, part of Exact Sciences
Classification: Likely benign for TSC2-related condition. Last evaluated: 2025-09-30. Review status: criteria provided, single submitter. Criteria: ACMG Guidelines, 2015. Collection method: clinical testing. Allele origin: germline.
Comment: This variant is classified as likely benign based on ACMG/AMP sequence variant interpretation guidelines (Richards et al. 2015 PMID: 25741868, with internal and published modifications).

Myriad Genetics, Inc.
Classification: Likely benign for Tuberous sclerosis 2. Last evaluated: 2025-06-09. Review status: criteria provided, single submitter. Criteria: Myriad Autosomal Dominant, Autosomal Recessive and X-Linked Classification Criteria (2023). Collection method: clinical testing. Allele origin: unknown.
Comment: This variant is considered likely benign. This variant has been observed at a population frequency that is significantly greater than expected given the associated disease prevalence and penetrance.

Color Diagnostics, LLC DBA Color Health
Classification: Likely benign for Tuberous sclerosis syndrome. Last evaluated: 2022-08-03. Review status: criteria provided, single submitter. Criteria: ACMG Guidelines, 2015. Collection method: clinical testing. Allele origin: germline.

Genome-Nilou Lab
Classification: Benign for Tuberous sclerosis 2. Last evaluated: 2021-11-07. Review status: criteria provided, single submitter. Criteria: ACMG Guidelines, 2015. Collection method: clinical testing. Allele origin: germline. Affected: no.

Sema4
Classification: Likely benign for Hereditary cancer-predisposing syndrome. Last evaluated: 2021-08-27. Review status: criteria provided, single submitter. Criteria: Sema4 Curation Guidelines. Collection method: curation. Allele origin: germline.

Ambry Genetics
Classification: Benign for Hereditary cancer-predisposing syndrome. Last evaluated: 2021-08-17. Review status: criteria provided, single submitter. Criteria: Ambry Variant Classification Scheme 2023. Collection method: clinical testing. Allele origin: germline.

Mendelics
Classification: Benign for Tuberous sclerosis 2. Last evaluated: 2019-05-28. Review status: criteria provided, single submitter. Criteria: Mendelics Assertion Criteria 2017. Collection method: clinical testing. Allele origin: unknown.

GeneDx
Classification: Likely benign. Last evaluated: 2016-09-20. Review status: criteria provided, single submitter. Criteria: GeneDx Variant Classification (06012015). Collection method: clinical testing. Allele origin: germline. Affected: yes.
Comment: This variant is considered likely benign or benign based on one or more of the following criteria: it is a conservative change, it occurs at a poorly conserved position in the protein, it is predicted to be benign by multiple in silico algorithms, and/or has population frequency not consistent with disease.

CSER _CC_NCGL, University of Washington
Classification: Uncertain significance for Tuberous sclerosis. Last evaluated: 2014-06-01. Review status: no assertion criteria provided. Collection method: research. Allele origin: germline. Inheritance: Autosomal dominant inheritance. Study: ESP 6500 variant annotation. Not counted in ClinVar's aggregate classification.
Comment: Variants classified for the Actionable exomic incidental findings in 6503 participants: challenges of variant classification manuscript

Tuberous sclerosis database (TSC2)
No classification provided. Condition: TSC. Review status: no classification provided. Criteria: Tuberous Sclerosis Database Assertion Criteria 2015. Collection method: curation. Allele origin: germline. Affected: yes. Not counted in ClinVar's aggregate classification.

Literature cited by the submitters: PubMed 16981987 (cited by Sema4 and Ambry Genetics); PubMed 25401301 (cited by Ambry Genetics); PubMed 25637381 (cited by Ambry Genetics); PubMed 27621404 (cited by Ambry Genetics).